The following is an entry in ClinVar:

NM_004357.5(CD151):c.257G>A (p.Arg86His)

Gene: CD151 (CD151 molecule (Raph blood group); plus strand). Cytogenetic location: 11p15.5.
Variant type: single nucleotide variant.
Coding change: c.257G>A on transcript NM_004357.5 (MANE Select); coding-DNA position 257, G replaced by A.
Protein change: p.Arg86His; replaces arginine 86 with histidine.
Molecular consequence: missense variant.
Genome position (GRCh38, 1-based): chr11:836,423, G>A. VCF-style: chr11-836423-G-A. GRCh37 (hg19) VCF-style: chr11-836423-G-A.
Other names: c.257G>A, p.Arg86His (NM_001039490.2, NM_139029.2, NM_139030.4); short protein forms R86H.
Identifiers: ClinVar variation 2179071 (VCV002179071.5), dbSNP rs377680693, ClinGen allele CA5792105.
Genomic context (GRCh38, chr11:836,423, plus strand): 5'-TGGCGGGCACTGTCGTCATGGTGACTGGGGTCTTGGGCTGCTGCGCCACCTTCAAGGAGC[G>A]TCGGAACCTGCTGCGCCTGGTCAGGAGGGCGCAGGGCCACGGGGTGGGGGTGGTGCAGAT-3'
Protein context (NP_004348.2, residues 76-96): VLGCCATFKE[Arg86His]RNLLRLYFIL

ClinVar aggregate classification (germline): Uncertain significance. Review status: criteria provided, multiple submitters, no conflicts (2 of 4 stars). 2 submissions from 2 submitters: Uncertain significance (2). Last evaluated 2025-05-27.

Conditions:
Inborn genetic diseases. Identifiers: MedGen C0950123, MeSH D030342.

Allele frequency attached by ClinVar (database versions not stated): ExAC 0.00008; ESP Exome Variant Server 0.00008.

Submissions (2):

Labcorp Genetics (formerly Invitae), Labcorp
Classification: Uncertain significance. Last evaluated: 2025-05-27. Review status: criteria provided, single submitter. Criteria: Invitae Variant Classification Sherloc (09022015). Collection method: clinical testing. Allele origin: germline.
Comment: This sequence change replaces arginine, which is basic and polar, with histidine, which is basic and polar, at codon 86 of the CD151 protein (p.Arg86His). The frequency data for this variant in the population databases is considered unreliable, as metrics indicate poor data quality at this position in the gnomAD database. This variant has not been reported in the literature in individuals affected with CD151-related conditions. ClinVar contains an entry for this variant (Variation ID: 2179071). An algorithm developed to predict the effect of missense changes on protein structure and function (PolyPhen-2) suggests that this variant is likely to be tolerated. In summary, the available evidence is currently insufficient to determine the role of this variant in disease. Therefore, it has been classified as a Variant of Uncertain Significance.

Ambry Genetics
Classification: Uncertain significance for Inborn genetic diseases. Last evaluated: 2023-11-27. Review status: criteria provided, single submitter. Criteria: Ambry Variant Classification Scheme 2023. Collection method: clinical testing. Allele origin: germline.